The following is an entry in ClinVar:

ClinVar aggregate classification (germline): Likely benign. Review status: reviewed by expert panel (3 of 4 stars). 4 submissions from 4 submitters: Likely benign (1). 3 of the submissions do not count toward it. Last evaluated 2017-06-29.

Conditions:
Hereditary cancer-predisposing syndrome. Also called: Hereditary neoplastic syndrome; Hereditary Cancer Syndrome; Neoplastic Syndromes, Hereditary; Tumor predisposition. Identifiers: Orphanet 140162, MedGen C0027672, MeSH D009386, MONDO:0015356.
Hereditary breast ovarian cancer syndrome. Also called: Hereditary breast and ovarian cancer syndrome; BRCA1- and BRCA2-Associated Hereditary Breast and Ovarian Cancer; Hereditary breast and/or ovarian cancer syndrome; Hereditary breast and ovarian cancer; Breast and ovarian cancer; Hereditary breast and ovarian cancer syndrome (HBOC). Identifiers: Orphanet 145, MedGen C0677776, MeSH D061325, MONDO:0003582. Disease mechanism: loss of function.
Breast-ovarian cancer, familial, susceptibility to, 2 (BROVCA2). Also called: BRCA2 Hereditary Breast and Ovarian Cancer. Identifiers: Orphanet 145, MedGen C2675520, MONDO:0012933, OMIM 612555. Disease mechanism: loss of function.

gnomAD v4.1: 2 of 1,613,892 alleles (0.00012%); highest among the groups gnomAD compares: Non-Finnish European, 0.00017%; no homozygotes.

Submissions (4):

Evidence-based Network for the Interpretation of Germline Mutant Alleles (ENIGMA)
Classification: Likely benign for Breast-ovarian cancer, familial, susceptibility to, 2. Last evaluated: 2017-06-29. Review status: reviewed by expert panel. Criteria: ENIGMA BRCA1/2 Classification Criteria (2017-06-29). Collection method: curation. Allele origin: germline.
Comment: Synonymous substitution variant, with low bioinformatic likelihood to result in a splicing aberration (Splicing prior probability 0.02).

Ambry Genetics
Classification: Likely benign for Hereditary cancer-predisposing syndrome. Last evaluated: 2023-11-14. Review status: criteria provided, single submitter. Criteria: Ambry Variant Classification Scheme 2023. Collection method: clinical testing. Allele origin: germline. Not counted in ClinVar's aggregate classification.

Labcorp Genetics (formerly Invitae), Labcorp
Classification: Likely benign for Hereditary breast ovarian cancer syndrome. Last evaluated: 2022-07-06. Review status: criteria provided, single submitter. Criteria: Invitae Variant Classification Sherloc (09022015). Collection method: clinical testing. Allele origin: germline. Not counted in ClinVar's aggregate classification.

Quest Diagnostics Nichols Institute San Juan Capistrano
Classification: Uncertain significance. Last evaluated: 2017-06-22. Review status: criteria provided, single submitter. Criteria: Quest Diagnostics criteria. Collection method: clinical testing. Allele origin: germline. Not counted in ClinVar's aggregate classification.

NM_000059.4(BRCA2):c.7311T>A (p.Ile2437=)

Gene: BRCA2 (BRCA2 DNA repair associated; plus strand). Cytogenetic location: 13q13.1.
Variant type: single nucleotide variant.
Coding change: c.7311T>A on transcript NM_000059.4 (MANE Select); coding-DNA position 7311, T replaced by A.
Protein change: p.Ile2437=; no amino-acid change (isoleucine 2437 retained).
Molecular consequence: synonymous variant.
Genome position (GRCh38, 1-based): chr13:32,355,164, T>A. VCF-style: chr13-32355164-T-A. GRCh37 (hg19) VCF-style: chr13-32929301-T-A.
Identifiers: ClinVar variation 427368 (VCV000427368.14), dbSNP rs1131692103, ClinGen allele CA483439438.